The following is an entry in ClinVar:

ClinVar aggregate classification (germline): Uncertain significance (1 of 4 stars; one submission).

Submission:

GeneDx
Classification: Uncertain significance. Last evaluated: 2025-04-09. Review status: criteria provided, single submitter. Criteria: GeneDx Variant Classification Process June 2021. Collection method: clinical testing. Allele origin: germline. Affected: yes.
Comment: In silico analysis indicates that this missense variant does not alter protein structure/function; Has not been previously published as pathogenic or benign to our knowledge

NM_001069.3(TUBB2A):c.1327G>C (p.Asp443His)

Gene: TUBB2A (tubulin beta 2A class IIa; minus strand). Cytogenetic location: 6p25.2.
Variant type: single nucleotide variant.
Coding change: c.1327G>C on transcript NM_001069.3 (MANE Select); coding-DNA position 1327, G replaced by C.
Protein change: p.Asp443His; replaces aspartic acid 443 with histidine.
Molecular consequence: missense variant.
Genome position (GRCh38, 1-based): chr6:3,153,874, C>G on the plus strand (G>C on the coding strand, the complement: TUBB2A is on the minus strand). VCF-style: chr6-3153874-C-G. GRCh37 (hg19) VCF-style: chr6-3154108-C-G.
Other names: c.1072G>C, p.Asp358His (NM_001310315.2); short protein forms D358H, D443H.
Identifiers: ClinVar variation 4281746 (VCV004281746.1).
Genomic context (GRCh38, chr6:3,153,874, plus strand): 5'-TGAGGACAACAGAAGTTCACTAAGGATGCACGATTGATCTGAGAAGTTTTTAAGCCTCGT[C>G]CTCGCCCTCCTCCTCCTCGAACTCCCCTTGTTCGTCGGCCGTGGCGTCCTGGTACTGCTG-3'
Protein context (NP_001060.1, residues 433-445): QGEFEEEEGE[Asp443His]EA